The following is an entry in ClinVar:

NM_032043.3(BRIP1):c.2488G>C (p.Gly830Arg)

Gene: BRIP1 (BRCA1 interacting DNA helicase 1; minus strand). Cytogenetic location: 17q23.2.
Variant type: single nucleotide variant.
Coding change: c.2488G>C on transcript NM_032043.3 (MANE Select); coding-DNA position 2488, G replaced by C.
Protein change: p.Gly830Arg; replaces glycine 830 with arginine.
Molecular consequence: missense variant.
Genome position (GRCh38, 1-based): chr17:61,715,955, C>G on the plus strand (G>C on the coding strand, the complement: BRIP1 is on the minus strand). VCF-style: chr17-61715955-C-G. GRCh37 (hg19) VCF-style: chr17-59793316-C-G.
Other names: short protein forms G830R.
Identifiers: ClinVar variation 231269 (VCV000231269.5), dbSNP rs876659062, ClinGen allele CA10580802.
Genomic context (GRCh38, chr17:61,715,955, plus strand): 5'-ATTTATATATATAGCCCTGTCACAGATAATATTATATTAAATTTCACTCCACTTACCTAC[C>G]AAGGGCCTGGTTTAAGGCCCTGTATGCTTGAATTTCATACCACTGACGGCCAGGTAGAAG-3'
Protein context (NP_114432.2, residues 820-840): QAYRALNQAL[Gly830Arg]RCIRHRNDWG

ClinVar aggregate classification (germline): Uncertain significance (1 of 4 stars; one submission).

Conditions:
Hereditary cancer-predisposing syndrome. Also called: Neoplastic Syndromes, Hereditary; Tumor predisposition; Hereditary Cancer Syndrome; Hereditary neoplastic syndrome. Identifiers: Orphanet 140162, MedGen C0027672, MeSH D009386, MONDO:0015356.

Submission:

Ambry Genetics
Classification: Uncertain significance for Hereditary cancer-predisposing syndrome. Last evaluated: 2015-04-09. Review status: criteria provided, single submitter. Criteria: Ambry Variant Classification Scheme 2023. Collection method: clinical testing. Allele origin: germline.
Comment: The p.G830R variant (also known as c.2488G>C), located in coding exon 16 of the BRIP1 gene, results from a G to C substitution at nucleotide position 2488. The glycine at codon 830 is replaced by arginine, an amino acid with dissimilar properties. This variant was not reported in population based cohorts in the following databases: Database of Single Nucleotide Polymorphisms (dbSNP), NHLBI Exome Sequencing Project (ESP), and 1000 Genomes Project. In the ESP, this variant was not observed in 6503 samples (13006 alleles) with coverage at this position. To date, this alteration has been detected with an allele frequency of approximately 0.003% (greater than 40000 alleles tested) in our clinical cohort. This amino acid position is highly conserved in available vertebrate species. In addition, this alteration is predicted to be probably damaging and deleterious by PolyPhen and SIFT in silico analyses, respectively. Since supporting evidence is limited at this time, the clinical significance of p.G830R remains unclear.